The following is an entry in ClinVar:

NM_000020.3(ACVRL1):c.376G>C (p.Val126Leu)

Gene: ACVRL1 (activin A receptor like type 1; plus strand). Cytogenetic location: 12q13.13.
Variant type: single nucleotide variant.
Coding change: c.376G>C on transcript NM_000020.3 (MANE Select); coding-DNA position 376, G replaced by C.
Protein change: p.Val126Leu; replaces valine 126 with leucine.
Molecular consequence: missense variant. On other transcripts: intron variant (6).
Genome position (GRCh38, 1-based): chr12:51,913,621, G>C. VCF-style: chr12-51913621-G-C. GRCh37 (hg19) VCF-style: chr12-52307405-G-C.
Other names: c.376G>C, p.Val126Leu (NM_001077401.2, NM_001406487.1, NM_001406488.1 and 1 more transcripts); c.313+271G>C (NM_001406491.1, NM_001406490.1, NM_001406492.1 and 2 more transcripts); c.62-818G>C (NM_001406495.1); short protein forms V126L.
Identifiers: ClinVar variation 3635102 (VCV003635102.2).

ClinVar aggregate classification (germline): Uncertain significance (1 of 4 stars; one submission).

Conditions:
Telangiectasia, hereditary hemorrhagic, type 2 (HHT2). Also called: ACVRL1-Related Hereditary Hemorrhagic Telangiectasia; Telangiectasia, hereditary hemorrhagic, type II. Identifiers: Orphanet 774, MedGen C1838163, MONDO:0010880, OMIM 600376. Disease mechanism: loss of function.

gnomAD v4.1: 5 of 1,603,364 alleles (0.00031%); highest among the groups gnomAD compares: African/African-American, 0.0067%; no homozygotes.

Submission:

Labcorp Genetics (formerly Invitae), Labcorp
Classification: Uncertain significance for Telangiectasia, hereditary hemorrhagic, type 2. Last evaluated: 2024-04-12. Review status: criteria provided, single submitter. Criteria: Invitae Variant Classification Sherloc (09022015). Collection method: clinical testing. Allele origin: germline.
Comment: This sequence change replaces valine, which is neutral and non-polar, with leucine, which is neutral and non-polar, at codon 126 of the ACVRL1 protein (p.Val126Leu). The frequency data for this variant in the population databases is considered unreliable, as metrics indicate poor data quality at this position in the gnomAD database. This variant has not been reported in the literature in individuals affected with ACVRL1-related conditions. Advanced modeling of protein sequence and biophysical properties (such as structural, functional, and spatial information, amino acid conservation, physicochemical variation, residue mobility, and thermodynamic stability) has been performed at Invitae for this missense variant, however the output from this modeling did not meet the statistical confidence thresholds required to predict the impact of this variant on ACVRL1 protein function. In summary, the available evidence is currently insufficient to determine the role of this variant in disease. Therefore, it has been classified as a Variant of Uncertain Significance.